The following is an entry in ClinVar:

ClinVar aggregate classification (germline): Conflicting classifications of pathogenicity. Review status: criteria provided, conflicting classifications (1 of 4 stars). 4 submissions from 4 submitters: Uncertain significance (1); Likely benign (2). 1 of the submissions does not count toward it. Last evaluated 2025-12-31.

Conditions:
Ehlers-Danlos syndrome, dermatosparaxis type. Also called: Dermatosparaxis; EDS VIIC; Ehlers-Danlos syndrome, type VII, autosomal recessive. Identifiers: Orphanet 1901, MedGen C2700425, MONDO:0009161, OMIM 225410.

Allele frequency attached by ClinVar (database versions not stated): ExAC 0.00004; gnomAD exomes 0.00009 and 0.00012; TOPMed 0.00026; gnomAD 0.00031 and 0.00034.
gnomAD v4.1: 223 of 1,613,614 alleles (0.014%); highest among the groups gnomAD compares: Admixed American, 0.075%; no homozygotes.

Submissions (4):

Labcorp Genetics (formerly Invitae), Labcorp
Classification: Likely benign for Ehlers-Danlos syndrome, dermatosparaxis type. Last evaluated: 2025-12-31. Review status: criteria provided, single submitter. Criteria: Invitae Variant Classification Sherloc (09022015). Collection method: clinical testing. Allele origin: germline.

Mayo Clinic Laboratories, Mayo Clinic
Classification: Uncertain significance. Last evaluated: 2020-11-13. Review status: criteria provided, single submitter. Criteria: ACMG Guidelines, 2015. Collection method: clinical testing. Allele origin: germline. Observed: 1 variant allele.

GeneDx
Classification: Likely benign. Last evaluated: 2020-03-25. Review status: criteria provided, single submitter. Criteria: GeneDx Variant Classification Process June 2021. Collection method: clinical testing. Allele origin: germline. Affected: yes.

Department of Pathology and Laboratory Medicine, Sinai Health System
Classification: Uncertain significance. Review status: no assertion criteria provided. Collection method: clinical testing. Allele origin: unknown. Affected: yes. Study: The Canadian Open Genetics Repository (COGR). Not counted in ClinVar's aggregate classification.
Comment: The ADAMTS2 p.Gly1065Gly variant was not identified in the literature nor was it identified in ClinVar or LOVD 3.0. The variant was identified in dbSNP (ID: rs778572930) and in control databases in 26 of 282238 chromosomes at a frequency of 0.00009212 (Genome Aggregation Database March 6, 2019, v2.1.1). The variant was observed in the following populations: Latino in 14 of 35350 chromosomes (freq: 0.000396), African in 8 of 24922 chromosomes (freq: 0.000321), South Asian in 1 of 30556 chromosomes (freq: 0.000033) and European (non-Finnish) in 3 of 128808 chromosomes (freq: 0.000023), but was not observed in the Ashkenazi Jewish, East Asian, European (Finnish), or Other populations. The p.Gly1065Gly variant is not expected to have clinical significance because it does not result in a change of amino acid and is not located in a known consensus splice site. However, three of four in silico or computational prediction software programs (SpliceSiteFinder, MaxEntScan, NNSPLICE, GeneSplicer) predict a great than 10% difference in splicing and the creation of a new 5' splice site. However, this has not been confirmed by RNA analysis and is not predictive enough to assume pathogenicity. In summary, based on the above information the clinical significance of this variant cannot be determined with certainty at this time. This variant is classified as a variant of uncertain significance.

NM_014244.5(ADAMTS2):c.3195C>T (p.Gly1065=)

Gene: ADAMTS2 (ADAM metallopeptidase with thrombospondin type 1 motif 2; minus strand). Cytogenetic location: 5q35.3.
Variant type: single nucleotide variant.
Coding change: c.3195C>T on transcript NM_014244.5 (MANE Select); coding-DNA position 3195, C replaced by T.
Protein change: p.Gly1065=; no amino-acid change (glycine 1065 retained).
Molecular consequence: synonymous variant.
Genome position (GRCh38, 1-based): chr5:179,114,308, G>A on the plus strand (C>T on the coding strand, the complement: ADAMTS2 is on the minus strand). VCF-style: chr5-179114308-G-A. GRCh37 (hg19) VCF-style: chr5-178541309-G-A.
Identifiers: ClinVar variation 966953 (VCV000966953.15), dbSNP rs778572930, ClinGen allele CA3595271.